The following is an entry in ClinVar:

NM_015338.6(ASXL1):c.4066T>C (p.Trp1356Arg)

Gene: ASXL1 (ASXL transcriptional regulator 1; plus strand). Cytogenetic location: 20q11.21.
Variant type: single nucleotide variant.
Coding change: c.4066T>C on transcript NM_015338.6 (MANE Select); coding-DNA position 4066, T replaced by C.
Protein change: p.Trp1356Arg; replaces tryptophan 1356 with arginine.
Molecular consequence: missense variant.
Genome position (GRCh38, 1-based): chr20:32,436,778, T>C. VCF-style: chr20-32436778-T-C. GRCh37 (hg19) VCF-style: chr20-31024581-T-C.
Other names: c.3883T>C, p.Trp1295Arg (NM_001363734.1); short protein forms W1356R, W1295R.
Identifiers: ClinVar variation 3791606 (VCV003791606.1).
Genomic context (GRCh38, chr20:32,436,778, plus strand): 5'-GGGAAGTTGGGACCAAGCACAAACTCCATGTCTGGTGGGGTACAGACTCCAAGGGAAGAC[T>C]GGGCTCCAAAGCCACATGCCTTTGTTGGCAGCGTCAAGAATGAGAAGACTTTTGTGGGGG-3'
Protein context (NP_056153.2, residues 1346-1366): SGGVQTPRED[Trp1356Arg]APKPHAFVGS

ClinVar aggregate classification (germline): Uncertain significance (1 of 4 stars; one submission).

Conditions:
Inborn genetic diseases. Identifiers: MedGen C0950123, MeSH D030342.

Submission:

Ambry Genetics
Classification: Uncertain significance for Inborn genetic diseases. Last evaluated: 2024-12-22. Review status: criteria provided, single submitter. Criteria: Ambry Variant Classification Scheme 2023. Collection method: clinical testing. Allele origin: germline.
Comment: The p.W1356R variant (also known as c.4066T>C), located in coding exon 13 of the ASXL1 gene, results from a T to C substitution at nucleotide position 4066. The tryptophan at codon 1356 is replaced by arginine, an amino acid with dissimilar properties. This amino acid position is conserved. In addition, this alteration is predicted to be tolerated by in silico analysis. Based on the available evidence, the clinical significance of this variant remains unclear.